The following is an entry in ClinVar:

NM_006121.4(KRT1):c.1004T>A (p.Val335Asp)

Gene: KRT1 (keratin 1; minus strand). Cytogenetic location: 12q13.13.
Variant type: single nucleotide variant.
Coding change: c.1004T>A on transcript NM_006121.4 (MANE Select); coding-DNA position 1004, T replaced by A.
Protein change: p.Val335Asp; replaces valine 335 with aspartic acid.
Molecular consequence: missense variant.
Genome position (GRCh38, 1-based): chr12:52,677,440, A>T on the plus strand (T>A on the coding strand, the complement: KRT1 is on the minus strand). VCF-style: chr12-52677440-A-T. GRCh37 (hg19) VCF-style: chr12-53071224-A-T.
Other names: short protein forms V335D.
Identifiers: ClinVar variation 3898895 (VCV003898895.1).

ClinVar aggregate classification (germline): Uncertain significance (1 of 4 stars; one submission).

Submission:

GeneDx
Classification: Uncertain significance. Last evaluated: 2024-11-08. Review status: criteria provided, single submitter. Criteria: GeneDx Variant Classification Process June 2021. Collection method: clinical testing. Allele origin: germline. Affected: yes.
Comment: Has not been previously published as pathogenic or benign to our knowledge; In silico analysis supports that this missense variant has a deleterious effect on protein structure/function; Not observed at significant frequency in large population cohorts (gnomAD)